The following is an entry in ClinVar:

ClinVar aggregate classification (germline): Uncertain significance. Review status: criteria provided, single submitter (1 of 4 stars). 2 submissions from 2 submitters: Uncertain significance (1). 1 of the submissions does not count toward it. Last evaluated 2022-03-20.

Conditions:
Autosomal recessive limb-girdle muscular dystrophy type 2B (LGMDR2). Also called: MUSCULAR DYSTROPHY, LIMB-GIRDLE, AUTOSOMAL RECESSIVE 2; MUSCULAR DYSTROPHY, LIMB-GIRDLE, TYPE 3; Limb-girdle muscular dystrophy, type 2B; Limb-Girdle Muscular Dystrophy Type 2B (LGMD2B). Identifiers: Orphanet 268, MedGen C1850889, MONDO:0009676, OMIM 253601.
Neuromuscular disease caused by qualitative or quantitative defects of dysferlin. Also called: Dysferlinopathy; Qualitative or quantitative defects of dysferlin. Identifiers: Orphanet 207073, MedGen C2931687, MONDO:0016145.

Submissions (2):

Labcorp Genetics (formerly Invitae), Labcorp
Classification: Uncertain significance for Neuromuscular disease caused by qualitative or quantitative defects of dysferlin. Last evaluated: 2022-03-20. Review status: criteria provided, single submitter. Criteria: Invitae Variant Classification Sherloc (09022015). Collection method: clinical testing. Allele origin: germline.
Comment: This variant, c.3277_3279dup, results in the insertion of 1 amino acid(s) of the DYSF protein (p.Arg1093dup), but otherwise preserves the integrity of the reading frame. This variant is present in population databases (rs779680055, gnomAD 0.007%). This variant has not been reported in the literature in individuals affected with DYSF-related conditions. Experimental studies and prediction algorithms are not available or were not evaluated, and the functional significance of this variant is currently unknown. In summary, the available evidence is currently insufficient to determine the role of this variant in disease. Therefore, it has been classified as a Variant of Uncertain Significance.

Counsyl
Classification: Uncertain significance for Autosomal recessive limb-girdle muscular dystrophy type 2B. Last evaluated: 2018-03-06. Review status: no assertion criteria provided. Collection method: clinical testing. Allele origin: unknown. Not counted in ClinVar's aggregate classification.

NM_001130987.2(DYSF):c.3322CGC[5] (p.Arg1111dup)

Gene: DYSF (dysferlin; plus strand). Cytogenetic location: 2p13.2.
Variant type: Microsatellite.
Coding change: c.3322CGC[5] on transcript NM_001130987.2 (MANE Select); five copies in a row of the 3-base unit CGC starting at c.3322; the reference has four copies in a row; one copy, 3 bases duplicated.
Protein change: p.Arg1111dup; duplicates arginine 1111.
Molecular consequence: inframe insertion.
Genome position (GRCh38, 1-based): chr2:71,574,300-71,574,302, CGC duplicated; duplicating any 3 consecutive bases within chr2:71,574,290-71,574,302 gives the same sequence; the position shown is the placement nearest the transcript's 3' end. VCF-style (leftmost placement, unchanged base first): chr2-71574289-T-TCCG. GRCh37 (hg19) VCF-style: chr2-71801419-T-TCCG.
Other names: c.3271CGC[5], p.Arg1094dup (NM_001130455.2, NM_001130983.2); c.3226CGC[5], p.Arg1079dup (NM_001130976.2, NM_001130977.2); c.3268CGC[5], p.Arg1093dup (NM_001130978.2, NM_003494.4); c.3361CGC[5], p.Arg1124dup (NM_001130979.2); c.3319CGC[5], p.Arg1110dup (NM_001130980.2, NM_001130981.2); c.3364CGC[5], p.Arg1125dup (NM_001130982.2); c.3229CGC[5], p.Arg1080dup (NM_001130984.2, NM_001130986.2); c.3322CGC[5], p.Arg1111dup (NM_001130985.2).
Identifiers: ClinVar variation 557037 (VCV000557037.4), dbSNP rs779680055, ClinGen allele CA1706518.